The following is an entry in ClinVar:

ClinVar aggregate classification (germline): Pathogenic (1 of 4 stars; one submission).

Conditions:
Cardiovascular phenotype. Identifiers: MedGen CN230736.

Submission:

Ambry Genetics
Classification: Pathogenic for Cardiovascular phenotype. Last evaluated: 2024-10-17. Review status: criteria provided, single submitter. Criteria: Ambry Variant Classification Scheme 2023. Collection method: clinical testing. Allele origin: germline.
Comment: The c.1164delT (p.F388Lfs*22) alteration, located in exon 9 (coding exon 9) of the DSG2 gene, consists of a deletion of one nucleotide at position 1164, causing a translational frameshift with a predicted alternate stop codon after 22 amino acids. This alteration is expected to result in loss of function by premature protein truncation or nonsense-mediated mRNA decay. This variant was not reported in population-based cohorts in the Genome Aggregation Database (gnomAD). Based on the available evidence, this alteration is classified as pathogenic.

NM_001943.5(DSG2):c.1164del (p.Phe388fs)

Gene: DSG2 (desmoglein 2; plus strand). Cytogenetic location: 18q12.1.
Variant type: Deletion.
Coding change: c.1164del on transcript NM_001943.5 (MANE Select); coding-DNA position 1164, one base deleted (T; older notation c.1164delT).
Protein change: p.Phe388fs; shifts the reading frame from phenylalanine 388.
Molecular consequence: frameshift variant.
Genome position (GRCh38, 1-based): chr18:31,531,136, T deleted; the last of 4 consecutive T bases (chr18:31,531,133-31,531,136); deleting any one gives the same sequence. VCF-style (leftmost placement, unchanged base first): chr18-31531132-AT-A. GRCh37 (hg19) VCF-style: chr18-29111095-AT-A.
Other names: short protein forms F388fs.
Identifiers: ClinVar variation 3505432 (VCV003505432.1).